The following is an entry in ClinVar:

ClinVar aggregate classification (germline): Pathogenic (1 of 4 stars; one submission).

Conditions:
Nager syndrome (AFD1). Also called: MANDIBULOFACIAL DYSOSTOSIS, TREACHER COLLINS TYPE, WITH LIMB ANOMALIES; Nager acrofacial dysostosis; Nager acrofacial dysostosis syndrome; Acrofacial Dysostosis 1, Nager Type. Identifiers: Orphanet 245, MedGen C0265245, MONDO:0007943, OMIM 154400.

Submission:

Variantyx, Inc.
Classification: Pathogenic for Nager syndrome. Last evaluated: 2025-06-18. Review status: criteria provided, single submitter. Criteria: Variantyx Assertion Criteria 2022. Collection method: clinical testing. Allele origin: de novo. Inheritance: Autosomal dominant inheritance. Affected: yes.
Comment: This is a start-loss variant in the SF3B4 gene (OMIM: 605593). Pathogenic variants in this gene have been associated with autosomal dominant Nager type of acrofacial dysostosis 1. The alteration results in loss of the initiation codon and is expected to result in loss of function, which is a known disease mechanism for SF3B4 in this disorder (PMID: 22541558, 23568615, 24003905, 22541558, 24003905) (PVS1). It is absent from control populations (PM2). Based on the current evidence, this variant is classified as pathogenic for autosomal dominant Nager type of acrofacial dysostosis 1.

Literature cited by the submitters: PubMed 22541558; PubMed 23568615; PubMed 24003905.

NM_005850.5(SF3B4):c.1A>C (p.Met1Leu)

Genes: SF3B4 (splicing factor 3b subunit 4; minus strand), LOC129931382 (ATAC-STARR-seq lymphoblastoid active region 1665; plus strand). Cytogenetic location: 1q21.2.
Variant type: single nucleotide variant.
Coding change: c.1A>C on transcript NM_005850.5 (MANE Select); coding-DNA position 1, A replaced by C.
Protein change: p.Met1Leu; changes the start codon (methionine 1).
Molecular consequence: missense variant, initiator codon variant.
Genome position (GRCh38, 1-based): chr1:149,927,759, T>G on the plus strand (A>C on the coding strand, the complement: SF3B4 is on the minus strand). VCF-style: chr1-149927759-T-G. GRCh37 (hg19) VCF-style: chr1-149899651-T-G.
Other names: short protein forms M1L.
Identifiers: ClinVar variation 4813813 (VCV004813813.1).